The following is an entry in ClinVar:

ClinVar aggregate classification (germline): Uncertain significance (1 of 4 stars; one submission).

Conditions:
Chromosome 2q32-q33 deletion syndrome (GLASS). Also called: Glass syndrome; 2q33.1 deletion syndrome. Identifiers: Orphanet 251019, MedGen C2676739, MONDO:0012864, OMIM 612313.

Submission:

Juno Genomics, Hangzhou Juno Genomics, Inc
Classification: Uncertain significance for Chromosome 2q32-q33 deletion syndrome. Review status: criteria provided, single submitter. Criteria: ACMG Guidelines, 2015. Collection method: clinical testing. Allele origin: germline.
Comment: Absent from controls (or at extremely low frequency if recessive) in Genome Aggregation Database.;Missense variant in a gene that has a low rate of benign missense variation.

NM_001172509.2(SATB2):c.1504C>G (p.Gln502Glu)

Gene: SATB2 (SATB homeobox 2; minus strand). Cytogenetic location: 2q33.1.
Variant type: single nucleotide variant.
Coding change: c.1504C>G on transcript NM_001172509.2 (MANE Select); coding-DNA position 1504, C replaced by G.
Protein change: p.Gln502Glu; replaces glutamine 502 with glutamic acid.
Molecular consequence: missense variant.
Genome position (GRCh38, 1-based): chr2:199,323,841, G>C on the plus strand (C>G on the coding strand, the complement: SATB2 is on the minus strand). VCF-style: chr2-199323841-G-C. GRCh37 (hg19) VCF-style: chr2-200188564-G-C.
Other names: c.1504C>G, p.Gln502Glu (NM_001172517.1, NM_015265.4); short protein forms Q502E.
Identifiers: ClinVar variation 5006189 (VCV005006189.2).
Genomic context (GRCh38, chr2:199,323,841, plus strand): 5'-TGCTTTTTTAAAAACCACTCACCTGACTTTTATTTGCAGCCACTTTGGCAAACAGGGCTT[G>C]AGACACCTTGGCCCTTTTCATCTCCTGTTGGATCTCGTCATAAATGGCAGCTGTGATGTT-3'
Protein context (NP_001165980.1, residues 492-512): QQEMKRAKVS[Gln502Glu]ALFAKVAANK